The following is an entry in ClinVar:

NM_001083962.2(TCF4):c.1069+1G>T

Gene: TCF4 (transcription factor 4; minus strand). Cytogenetic location: 18q21.2.
Variant type: single nucleotide variant.
Coding change: c.1069+1G>T on transcript NM_001083962.2 (MANE Select); the canonical splice donor site of the intron after coding-DNA position 1069, G replaced by T.
Molecular consequence: splice donor variant. On other transcripts: missense variant (1).
Genome position (GRCh38, 1-based): chr18:55,259,948, C>A on the plus strand (G>T on the coding strand, the complement: TCF4 is on the minus strand). VCF-style: chr18-55259948-C-A. GRCh37 (hg19) VCF-style: chr18-52927179-C-A.
Other names: c.998G>T, p.Gly333Val (NM_001369586.1); c.1375+1G>T (NM_001243226.3); c.994+1G>T (NM_001369584.1, NM_001369576.1, NM_001369585.1 and 3 more transcripts); c.997+1G>T (NM_001369577.1, NM_001369582.1, NM_001243227.2 and 8 more transcripts); c.1069+1G>T (NM_001369571.1, NM_001369567.1, NM_001369572.1 and 4 more transcripts); c.1087+1G>T (NM_001243228.2); c.1063+1G>T (NM_001243230.2); c.1066+1G>T (NM_001369569.1, NM_001369573.1, NM_001369570.1); and 5 more; short protein forms G333V.
Identifiers: ClinVar variation 209195 (VCV000209195.2), dbSNP rs797045072, ClinGen allele CA276174.

ClinVar aggregate classification (germline): Pathogenic (1 of 4 stars; one submission).

Conditions:
Pitt-Hopkins syndrome (PTHS). Also called: ENCEPHALOPATHY, SEVERE EPILEPTIC, WITH AUTONOMIC DYSFUNCTION; MENTAL RETARDATION, SYNDROMAL, WITH INTERMITTENT HYPERVENTILATION. Identifiers: Orphanet 2896, MedGen C1970431, MONDO:0012589, OMIM 610954.

Submission:

Baylor Genetics
Classification: Pathogenic for Pitt-Hopkins syndrome. Last evaluated: 2014-07-10. Review status: criteria provided, single submitter. Criteria: Yang et al. 2013. Collection method: clinical testing. Allele origin: de novo. Inheritance: Autosomal dominant inheritance. Affected: yes. Observed: 1 variant allele, 1 heterozygote. Study: Adult_WES.

Literature cited by the submitters: PubMed 26633545.